The following is an entry in ClinVar:

ClinVar aggregate classification (germline): Uncertain significance (1 of 4 stars; one submission).

Conditions:
DNA ligase IV deficiency. Identifiers: Orphanet 99812, MedGen C1847827, MONDO:0011686, OMIM 606593.

Allele frequency attached by ClinVar (database versions not stated): gnomAD exomes below 0.00001; ExAC 0.00001.
gnomAD v4.1: 2 of 1,614,148 alleles (0.00012%); highest among the groups gnomAD compares: South Asian, 0.0011%; no homozygotes.

Submission:

Labcorp Genetics (formerly Invitae), Labcorp
Classification: Uncertain significance for DNA ligase IV deficiency. Last evaluated: 2021-08-25. Review status: criteria provided, single submitter. Criteria: Invitae Variant Classification Sherloc (09022015). Collection method: clinical testing. Allele origin: germline.
Comment: This sequence change replaces isoleucine with valine at codon 466 of the LIG4 protein (p.Ile466Val). The isoleucine residue is highly conserved and there is a small physicochemical difference between isoleucine and valine. This variant is present in population databases (rs770386631, ExAC 0.001%). This variant has not been reported in the literature in individuals affected with LIG4-related conditions. Algorithms developed to predict the effect of missense changes on protein structure and function (SIFT, PolyPhen-2, Align-GVGD) all suggest that this variant is likely to be tolerated. In summary, the available evidence is currently insufficient to determine the role of this variant in disease. Therefore, it has been classified as a Variant of Uncertain Significance.

NM_206937.2(LIG4):c.1396A>G (p.Ile466Val)

Gene: LIG4 (DNA ligase 4; minus strand). Cytogenetic location: 13q33.3.
Variant type: single nucleotide variant.
Coding change: c.1396A>G on transcript NM_206937.2 (MANE Select); coding-DNA position 1396, A replaced by G.
Protein change: p.Ile466Val; replaces isoleucine 466 with valine.
Molecular consequence: missense variant.
Genome position (GRCh38, 1-based): chr13:108,209,873, T>C on the plus strand (A>G on the coding strand, the complement: LIG4 is on the minus strand). VCF-style: chr13-108209873-T-C. GRCh37 (hg19) VCF-style: chr13-108862221-T-C.
Other names: c.1396A>G, p.Ile466Val (NM_002312.3, NM_001098268.2, NM_001352598.2 and 6 more transcripts); c.1195A>G, p.Ile399Val (NM_001330595.2); c.1432A>G, p.Ile478Val (NM_001352604.2); short protein forms I399V, I478V, I466V.
Identifiers: ClinVar variation 948704 (VCV000948704.7), dbSNP rs770386631, ClinGen allele CA7043695.